The following is an entry in ClinVar:

ClinVar aggregate classification (germline): Uncertain significance. Review status: criteria provided, multiple submitters, no conflicts (2 of 4 stars). 2 submissions from 2 submitters: Uncertain significance (2). Last evaluated 2022-05-05.

Conditions:
Inborn genetic diseases. Identifiers: MedGen C0950123, MeSH D030342.
RYR1-related disorder. Also called: RYR1-related condition; RYR1-related disorders. Identifiers: MedGen CN239331.

Allele frequency attached by ClinVar (database versions not stated): gnomAD exomes below 0.00001; TOPMed below 0.00001.
gnomAD v4.1: 2 of 1,554,450 alleles (0.00013%); highest among the groups gnomAD compares: Admixed American, 0.0019%; no homozygotes.

Submissions (2):

Labcorp Genetics (formerly Invitae), Labcorp
Classification: Uncertain significance for RYR1-related disorder. Last evaluated: 2022-05-05. Review status: criteria provided, single submitter. Criteria: Invitae Variant Classification Sherloc (09022015). Collection method: clinical testing. Allele origin: germline.
Comment: This sequence change replaces serine, which is neutral and polar, with leucine, which is neutral and non-polar, at codon 4251 of the RYR1 protein (p.Ser4251Leu). The frequency data for this variant in the population databases is considered unreliable, as metrics indicate poor data quality at this position in the gnomAD database. This variant has not been reported in the literature in individuals affected with RYR1-related conditions. Algorithms developed to predict the effect of missense changes on protein structure and function are either unavailable or do not agree on the potential impact of this missense change (SIFT: "Deleterious"; PolyPhen-2: "Benign"; Align-GVGD: "Class C0"). In summary, the available evidence is currently insufficient to determine the role of this variant in disease. Therefore, it has been classified as a Variant of Uncertain Significance.

Ambry Genetics
Classification: Uncertain significance for Inborn genetic diseases. Last evaluated: 2021-08-13. Review status: criteria provided, single submitter. Criteria: Ambry Variant Classification Scheme 2023. Collection method: clinical testing. Allele origin: germline.

NM_000540.3(RYR1):c.12752C>T (p.Ser4251Leu)

Gene: RYR1 (ryanodine receptor 1; plus strand). Cytogenetic location: 19q13.2.
Variant type: single nucleotide variant.
Coding change: c.12752C>T on transcript NM_000540.3 (MANE Select); coding-DNA position 12752, C replaced by T.
Protein change: p.Ser4251Leu; replaces serine 4251 with leucine.
Molecular consequence: missense variant.
Genome position (GRCh38, 1-based): chr19:38,565,086, C>T. VCF-style: chr19-38565086-C-T. GRCh37 (hg19) VCF-style: chr19-39055726-C-T.
Other names: c.12737C>T, p.Ser4246Leu (NM_001042723.2); short protein forms S4246L, S4251L.
Identifiers: ClinVar variation 2185764 (VCV002185764.3), dbSNP rs988659631, ClinGen allele CA308109126.
Genomic context (GRCh38, chr19:38,565,086, plus strand): 5'-AGCTCTTCGTGAGTTTCTGCGAGGACACCATCTTCGAGATGCAGATCGCCGCGCAGATCT[C>T]GGAGCCCGAGGGCGAGCCGGAGACCGACGAGGACGAGGGCGCGGGCGCGGCGGAGGCGGG-3'
Protein context (NP_000531.2, residues 4241-4261): IFEMQIAAQI[Ser4251Leu]EPEGEPETDE